The following is an entry in ClinVar:

ClinVar aggregate classification (germline): Uncertain significance. Review status: criteria provided, single submitter (1 of 4 stars). 2 submissions from 2 submitters: Uncertain significance (1). 1 of the submissions does not count toward it. Last evaluated 2023-11-06.

Conditions:
Tuberous sclerosis 2 (TSC2). Identifiers: Orphanet 805, MedGen C1860707, MONDO:0013199, OMIM 613254.
Tuberous sclerosis syndrome (TSC). Also called: Tuberous Sclerosis Complex; Tuberous sclerosis. Identifiers: Orphanet 805, MedGen C0041341, MONDO:0001734.

Allele frequency attached by ClinVar (database versions not stated): TOPMed below 0.00001.

Submissions (2):

Labcorp Genetics (formerly Invitae), Labcorp
Classification: Uncertain significance for Tuberous sclerosis 2. Last evaluated: 2023-11-06. Review status: criteria provided, single submitter. Criteria: Invitae Variant Classification Sherloc (09022015). Collection method: clinical testing. Allele origin: germline.
Comment: This sequence change replaces serine, which is neutral and polar, with threonine, which is neutral and polar, at codon 1427 of the TSC2 protein (p.Ser1427Thr). This variant is not present in population databases (gnomAD no frequency). This variant has not been reported in the literature in individuals affected with TSC2-related conditions. ClinVar contains an entry for this variant (Variation ID: 65338). Advanced modeling of protein sequence and biophysical properties (such as structural, functional, and spatial information, amino acid conservation, physicochemical variation, residue mobility, and thermodynamic stability) performed at Invitae indicates that this missense variant is not expected to disrupt TSC2 protein function with a negative predictive value of 95%. In summary, the available evidence is currently insufficient to determine the role of this variant in disease. Therefore, it has been classified as a Variant of Uncertain Significance.

Tuberous sclerosis database (TSC2)
No classification provided. Condition: TSC. Review status: no classification provided. Criteria: Tuberous Sclerosis Database Assertion Criteria 2015. Collection method: curation. Allele origin: germline. Affected: yes. Not counted in ClinVar's aggregate classification.

NM_000548.5(TSC2):c.4280G>C (p.Ser1427Thr)

Gene: TSC2 (TSC complex subunit 2; plus strand). Cytogenetic location: 16p13.3.
Variant type: single nucleotide variant.
Coding change: c.4280G>C on transcript NM_000548.5 (MANE Select); coding-DNA position 4280, G replaced by C.
Protein change: p.Ser1427Thr; replaces serine 1427 with threonine.
Molecular consequence: missense variant.
Genome position (GRCh38, 1-based): chr16:2,084,502, G>C. VCF-style: chr16-2084502-G-C. GRCh37 (hg19) VCF-style: chr16-2134503-G-C.
Other names: c.4079G>C, p.Ser1360Thr (NM_001077183.3); c.4211G>C, p.Ser1404Thr (NM_001114382.3); c.3971G>C, p.Ser1324Thr (NM_001318827.2); c.3935G>C, p.Ser1312Thr (NM_001318829.2); c.3548G>C, p.Ser1183Thr (NM_001318831.2); c.4112G>C, p.Ser1371Thr (NM_001318832.2); c.4082G>C, p.Ser1361Thr (NM_001363528.2); c.4148G>C, p.Ser1383Thr (NM_001370404.1); and 1 more; short protein forms S1427T, S1371T, S1312T, S1360T, S1361T, S1383T, S1384T, S1183T.
Identifiers: ClinVar variation 65338 (VCV000065338.5), dbSNP rs397515250, ClinGen allele CA020184.